The following is an entry in ClinVar:

NM_153218.4(LACC1):c.795T>C (p.Tyr265=)

Gene: LACC1 (laccase domain multifunctional purine nucleosidase 1; plus strand). Cytogenetic location: 13q14.11.
Variant type: single nucleotide variant.
Coding change: c.795T>C on transcript NM_153218.4 (MANE Select); coding-DNA position 795, T replaced by C.
Protein change: p.Tyr265=; no amino-acid change (tyrosine 265 retained).
Molecular consequence: synonymous variant.
Genome position (GRCh38, 1-based): chr13:43,883,824, T>C. VCF-style: chr13-43883824-T-C. GRCh37 (hg19) VCF-style: chr13-44457960-T-C.
Other names: c.795T>C, p.Tyr265= (NM_001128303.2, NM_001350638.2, NM_001350639.2 and 4 more transcripts); c.27T>C, p.Tyr9= (NM_001350644.2, NM_001350645.2, NM_001350646.2 and 2 more transcripts).
Identifiers: ClinVar variation 2643797 (VCV002643797.24), dbSNP rs758216941, ClinGen allele CA6969164.

ClinVar aggregate classification (germline): Likely benign (1 of 4 stars; one submission).

Allele frequency attached by ClinVar (database versions not stated): gnomAD 0.00002; gnomAD exomes 0.00002; ExAC 0.00007; TOPMed below 0.00001.
gnomAD v4.1: 39 of 1,613,684 alleles (0.0024%); highest among the groups gnomAD compares: Non-Finnish European, 0.003%; no homozygotes.

Submission:

CeGaT Center for Human Genetics Tuebingen
Classification: Likely benign. Last evaluated: 2023-01-01. Review status: criteria provided, single submitter. Criteria: CeGaT Center For Human Genetics Tuebingen Variant Classification Criteria Version 2. Collection method: clinical testing. Allele origin: germline. Affected: yes. Observed: 1 variant allele.
Comment: LACC1: BP4, BP7